The following is an entry in ClinVar:

NM_001379659.1(ZNF142):c.1606CAC[1] (p.His537del)

Gene: ZNF142 (zinc finger protein 142; minus strand). Cytogenetic location: 2q35.
Variant type: Microsatellite.
Coding change: c.1606CAC[1] on transcript NM_001379659.1 (MANE Select); one copy of the 3-base unit CAC starting at c.1606; the reference has two copies in a row; one copy, 3 bases deleted.
Protein change: p.His537del; deletes histidine 537.
Molecular consequence: inframe deletion. On other transcripts: inframe indel (5).
Genome position (GRCh38, 1-based): chr2:218,648,897-218,648,899, GTG deleted on the plus strand (CAC on the coding strand, the reverse complement: ZNF142 is on the minus strand); deleting any 3 consecutive bases within chr2:218,648,897-218,648,903 gives the same sequence; the position shown is the placement nearest the transcript's 3' end. VCF-style (leftmost placement, unchanged base first): chr2-218648896-TGTG-T. GRCh37 (hg19) VCF-style: chr2-219513619-TGTG-T.
Other names: c.1005_1007CCA[1], p.His337del (NM_001105537.5, NM_001366291.3); c.516_518CCA[1], p.His174del (NM_001366287.3, NM_001366288.3, NM_001366289.3); c.1606CAC[1], p.His537del (NM_001366290.3, NM_001379660.1, NM_001379661.1); c.1006CAC[1], p.His337del (NM_001379662.1); short protein forms H174del, H337del, H537del.
Identifiers: ClinVar variation 1712827 (VCV001712827.3), dbSNP rs762207774, ClinGen allele CA2109341.

ClinVar aggregate classification (germline): Uncertain significance (1 of 4 stars; one submission).

Submission:

GeneDx
Classification: Uncertain significance. Last evaluated: 2024-07-13. Review status: criteria provided, single submitter. Criteria: GeneDx Variant Classification Process June 2021. Collection method: clinical testing. Allele origin: germline.
Comment: In-frame deletion of 1 amino acid in a non-repeat region; In silico analysis supports a deleterious effect on protein structure/function; Has not been previously published as pathogenic or benign to our knowledge